The following is an entry in ClinVar:

NM_004586.3(RPS6KA3):c.754T>C (p.Trp252Arg)

Gene: RPS6KA3 (ribosomal protein S6 kinase A3; minus strand). Cytogenetic location: Xp22.12.
Variant type: single nucleotide variant.
Coding change: c.754T>C on transcript NM_004586.3 (MANE Select); coding-DNA position 754, T replaced by C.
Protein change: p.Trp252Arg; replaces tryptophan 252 with arginine.
Molecular consequence: missense variant.
Genome position (GRCh38, 1-based): chrX:20,187,848, A>G on the plus strand (T>C on the coding strand, the complement: RPS6KA3 is on the minus strand). VCF-style: chrX-20187848-A-G. GRCh37 (hg19) VCF-style: chrX-20205966-A-G.
Other names: short protein forms W252R.
Identifiers: ClinVar variation 570134 (VCV000570134.8), dbSNP rs1569215936, ClinGen allele CA412508024.
Genomic context (GRCh38, chrX:20,187,848, plus strand): 5'-ATCTCCTTCCCCTCTAAAAAATCCCAAATTCAAACCTTACCATTAACACACCAAAAGACC[A>G]CCAGTCAGCACTCTGAGTATGACCTCGACGATTAACTACTTCTGGAGCCATATACTCCAC-3'
Protein context (NP_004577.1, residues 242-262): RRGHTQSADW[Trp252Arg]SFGVLMFEML

ClinVar aggregate classification (germline): Uncertain significance (1 of 4 stars; one submission).

Conditions:
Intellectual developmental disorder, X-linked 19. Also called: Intellectual disability, X-linked 19. Identifiers: Orphanet 777, MedGen C0796225, MONDO:0010447, OMIM 300844.
Coffin-Lowry syndrome (CLS). Also called: COFFIN-LOWRY SYNDROME, MILD; Mental retardation with osteocartilaginous abnormalities. Identifiers: Orphanet 192, MedGen C0265252, MONDO:0010561, OMIM 303600.

Submission:

Labcorp Genetics (formerly Invitae), Labcorp
Classification: Uncertain significance for Coffin-Lowry syndrome; Intellectual developmental disorder, X-linked 19. Last evaluated: 2018-07-08. Review status: criteria provided, single submitter. Criteria: Invitae Variant Classification Sherloc (09022015). Collection method: clinical testing. Allele origin: germline.
Comment: In summary, the available evidence is currently insufficient to determine the role of this variant in disease. Therefore, it has been classified as a Variant of Uncertain Significance. This sequence change replaces tryptophan with arginine at codon 252 of the RPS6KA3 protein (p.Trp252Arg). The tryptophan residue is highly conserved and there is a moderate physicochemical difference between tryptophan and arginine. This variant is not present in population databases (ExAC no frequency). This variant has not been reported in the literature in individuals with RPS6KA3-related disease. Algorithms developed to predict the effect of missense changes on protein structure and function do not agree on the potential impact of this missense change (SIFT: "Deleterious"; PolyPhen-2: "Probably Damaging"; Align-GVGD: "Class C0").